The following is an entry in ClinVar:

ClinVar aggregate classification (germline): Uncertain significance. Review status: criteria provided, multiple submitters, no conflicts (2 of 4 stars). 2 submissions from 2 submitters: Uncertain significance (2). Last evaluated 2022-02-19.

Conditions:
Hereditary cancer-predisposing syndrome. Also called: Neoplastic Syndromes, Hereditary; Tumor predisposition; Hereditary Cancer Syndrome; Hereditary neoplastic syndrome. Identifiers: Orphanet 140162, MedGen C0027672, MeSH D009386, MONDO:0015356.

Allele frequency attached by ClinVar (database versions not stated): gnomAD exomes below 0.00001.

Submissions (2):

Sema4
Classification: Uncertain significance for Hereditary cancer-predisposing syndrome. Last evaluated: 2022-02-19. Review status: criteria provided, single submitter. Criteria: Sema4 Curation Guidelines. Collection method: curation. Allele origin: germline.
Comment: The NF1 c.2107G>A (p.V703I) variant has not been reported in the literature to our knowledge. This variant is not reported in the population database Genome Aggregation Database (PMID: 32461654). The variant has been reported in ClinVar (Variation ID: 231596). Functional studies have not been performed, and in silico predictions of the variant's effect on protein function are inconclusive. The evidence is insufficient to meet ACMG/AMP criteria for classifying the variant as benign or pathogenic. Thus, the clinical significance of this variant is currently uncertain.

Ambry Genetics
Classification: Uncertain significance for Hereditary cancer-predisposing syndrome. Last evaluated: 2015-05-11. Review status: criteria provided, single submitter. Criteria: Ambry Autosomal Dominant and X-Linked criteria (10/2015). Collection method: clinical testing. Allele origin: germline. Observed: 1 variant allele.
Comment: The p.V703I variant (also known as c.2107G>A), located in coding exon 18 of the NF1 gene, results from a G to A substitution at nucleotide position 2107. The valine at codon 703 is replaced by isoleucine, an amino acid with highly similar properties. This variant was not reported in population based cohorts in the following databases: Database of Single Nucleotide Polymorphisms (dbSNP), NHLBI Exome Sequencing Project (ESP), and 1000 Genomes Project. In the ESP, this variant was not observed in 6500 samples (13000 alleles) with coverage at this position. To date, this alteration has been detected with an allele frequency of approximately 0.002% (greater than 55000 alleles tested) in our clinical cohort. This amino acid position is highly conserved in available vertebrate species. In addition, the in silico prediction for this alteration is inconclusive. Since supporting evidence is limited at this time, the clinical significance of p.V703I remains unclear.

NM_001042492.3(NF1):c.2107G>A (p.Val703Ile)

Gene: NF1 (neurofibromin 1; plus strand). Cytogenetic location: 17q11.2.
Variant type: single nucleotide variant.
Coding change: c.2107G>A on transcript NM_001042492.3 (MANE Select); coding-DNA position 2107, G replaced by A.
Protein change: p.Val703Ile; replaces valine 703 with isoleucine.
Molecular consequence: missense variant.
Genome position (GRCh38, 1-based): chr17:31,226,540, G>A. VCF-style: chr17-31226540-G-A. GRCh37 (hg19) VCF-style: chr17-29553558-G-A.
Other names: c.2107G>A, p.Val703Ile (NM_000267.4); short protein forms V703I.
Identifiers: ClinVar variation 231596 (VCV000231596.4), dbSNP rs876659251, ClinGen allele CA10580243.